The following is an entry in ClinVar:

ClinVar aggregate classification (germline): Benign/Likely benign. Review status: criteria provided, multiple submitters, no conflicts (2 of 4 stars). 7 submissions from 7 submitters: Benign (2); Likely benign (3). 2 of the submissions do not count toward it. Last evaluated 2026-02-04.

Conditions:
Congenital generalized lipodystrophy type 1 (CGL1). Also called: Berardinelli-Seip Congenital Lipodystrophy Type 1; BRUNZELL SYNDROME, AGPAT2-RELATED. Identifiers: Orphanet 528, Orphanet 696189, MedGen C1720862, MONDO:0012071, OMIM 608594.

Allele frequency attached by ClinVar (database versions not stated): 1000 Genomes Project 0.00040; 1000 Genomes Project 30x 0.00047; ESP Exome Variant Server 0.00176; gnomAD exomes 0.00198 and 0.00394; TOPMed 0.00202; gnomAD 0.00209 and 0.00220; ExAC 0.00247.
gnomAD v4.1: 5,826 of 1,583,004 alleles (0.37%); highest among the groups gnomAD compares: Non-Finnish European, 0.47%; 16 homozygotes.

Submissions (7):

Labcorp Genetics (formerly Invitae), Labcorp
Classification: Benign. Last evaluated: 2026-02-04. Review status: criteria provided, single submitter. Criteria: Invitae Variant Classification Sherloc (09022015). Collection method: clinical testing. Allele origin: germline.

CeGaT Center for Human Genetics Tuebingen
Classification: Likely benign. Last evaluated: 2026-02-01. Review status: criteria provided, single submitter. Criteria: CeGaT Center For Human Genetics Tuebingen Variant Classification Criteria Version 2. Collection method: clinical testing. Allele origin: germline. Affected: yes. Observed: 2 variant alleles.
Comment: AGPAT2: BP4, BS2

Mayo Clinic Laboratories, Mayo Clinic
Classification: Benign. Last evaluated: 2025-04-21. Review status: criteria provided, single submitter. Criteria: ACMG Guidelines, 2015. Collection method: clinical testing. Allele origin: germline. Observed: 2 variant alleles.
Comment: BS1, BS2

Blueprint Genetics
Classification: Likely benign. Last evaluated: 2024-11-25. Review status: criteria provided, single submitter. Criteria: ACMG Guidelines, 2015. Collection method: clinical testing. Allele origin: germline.

Illumina Laboratory Services, Illumina
Classification: Likely benign for Congenital generalized lipodystrophy type 1. Last evaluated: 2018-01-12. Review status: criteria provided, single submitter. Criteria: ICSL Variant Classification Criteria 13 December 2019. Collection method: clinical testing. Allele origin: germline.
Comment: This variant was observed in the ICSL laboratory as part of a predisposition screen in an ostensibly healthy population. It had not been previously curated by ICSL or reported in the Human Gene Mutation Database (HGMD: prior to June 1st, 2018), and was therefore a candidate for classification through an automated scoring system. Utilizing variant allele frequency, disease prevalence and penetrance estimates, and inheritance mode, an automated score was calculated to assess if this variant is too frequent to cause the disease. Based on the score and internal cut-off values, a variant classified as likely benign is not then subjected to further curation. The score for this variant resulted in a classification of likely benign for this disease.

Clinical Genetics DNA and cytogenetics Diagnostics Lab, Erasmus MC, Erasmus Medical Center
Classification: Likely benign. Review status: no assertion criteria provided. Collection method: clinical testing. Allele origin: germline. Affected: yes. Study: VKGL Data-share Consensus. Not counted in ClinVar's aggregate classification.

Laboratory of Diagnostic Genome Analysis, Leiden University Medical Center (LUMC)
Classification: Likely benign. Review status: no assertion criteria provided. Collection method: clinical testing. Allele origin: germline. Affected: yes. Study: VKGL Data-share Consensus. Not counted in ClinVar's aggregate classification.

NM_006412.4(AGPAT2):c.182+8C>T

Gene: AGPAT2 (1-acylglycerol-3-phosphate O-acyltransferase 2; minus strand). Cytogenetic location: 9q34.3.
Variant type: single nucleotide variant.
Coding change: c.182+8C>T on transcript NM_006412.4 (MANE Select); 8 bases into the intron after coding-DNA position 182, C replaced by T.
Molecular consequence: intron variant.
Genome position (GRCh38, 1-based): chr9:136,687,168, G>A on the plus strand (C>T on the coding strand, the complement: AGPAT2 is on the minus strand). VCF-style: chr9-136687168-G-A. GRCh37 (hg19) VCF-style: chr9-139581620-G-A.
Other names: p.?; c.182+8C>T (NM_001012727.2).
Identifiers: ClinVar variation 365933 (VCV000365933.36), dbSNP rs199860398, ClinGen allele CA5343148.
Genomic context (GRCh38, chr9:136,687,168, plus strand): 5'-GAAGAAAGTTAGGGAAGCGGAAGCGGCGCGGCGGTTCCCCGGCCCCTCCCGGCGGCCCCC[G>A]GCCTTGCCTCATGTTCTCCACCGTCCGGCCGCCGTGGCGCAGCAGGCAGACGAGCGAGGC-3'